The following is an entry in ClinVar:

ClinVar aggregate classification (germline): Uncertain significance. Review status: criteria provided, multiple submitters, no conflicts (2 of 4 stars). 3 submissions from 3 submitters: Uncertain significance (3). Last evaluated 2025-07-12.

Conditions:
Inborn genetic diseases. Identifiers: MedGen C0950123, MeSH D030342.

Allele frequency attached by ClinVar (database versions not stated): gnomAD exomes below 0.00001; ExAC 0.00002; gnomAD 0.00003; TOPMed 0.00004.
gnomAD v4.1: 7 of 1,608,882 alleles (0.00044%); highest among the groups gnomAD compares: African/African-American, 0.008%; no homozygotes.

Submissions (3):

Ambry Genetics
Classification: Uncertain significance for Inborn genetic diseases. Last evaluated: 2025-07-12. Review status: criteria provided, single submitter. Criteria: Ambry Variant Classification Scheme 2023. Collection method: clinical testing. Allele origin: germline.

Labcorp Genetics (formerly Invitae), Labcorp
Classification: Uncertain significance. Last evaluated: 2023-10-29. Review status: criteria provided, single submitter. Criteria: Invitae Variant Classification Sherloc (09022015). Collection method: clinical testing. Allele origin: germline.
Comment: This sequence change replaces isoleucine, which is neutral and non-polar, with phenylalanine, which is neutral and non-polar, at codon 222 of the PDE6B protein (p.Ile222Phe). This variant is present in population databases (rs771441828, gnomAD 0.01%). This variant has not been reported in the literature in individuals affected with PDE6B-related conditions. Advanced modeling of protein sequence and biophysical properties (such as structural, functional, and spatial information, amino acid conservation, physicochemical variation, residue mobility, and thermodynamic stability) performed at Invitae indicates that this missense variant is not expected to disrupt PDE6B protein function with a negative predictive value of 95%. In summary, the available evidence is currently insufficient to determine the role of this variant in disease. Therefore, it has been classified as a Variant of Uncertain Significance.

Blueprint Genetics
Classification: Uncertain significance. Last evaluated: 2019-10-07. Review status: criteria provided, single submitter. Criteria: ACMG Guidelines, 2015. Collection method: clinical testing. Allele origin: germline.

NM_000283.4(PDE6B):c.664A>T (p.Ile222Phe)

Gene: PDE6B (phosphodiesterase 6B; plus strand). Cytogenetic location: 4p16.3.
Variant type: single nucleotide variant.
Coding change: c.664A>T on transcript NM_000283.4 (MANE Select); coding-DNA position 664, A replaced by T.
Protein change: p.Ile222Phe; replaces isoleucine 222 with phenylalanine.
Molecular consequence: missense variant.
Genome position (GRCh38, 1-based): chr4:635,922, A>T. VCF-style: chr4-635922-A-T. GRCh37 (hg19) VCF-style: chr4-629711-A-T.
Other names: c.664A>T (NM_000283.3); c.664A>T, p.Ile222Phe (NM_001145291.2); short protein forms I222F.
Identifiers: ClinVar variation 2973088 (VCV002973088.5), dbSNP rs771441828, ClinGen allele CA2794051.